The following is an entry in ClinVar:

NM_001277115.2(DNAH11):c.13163-27_13163-11del

Gene: DNAH11 (dynein axonemal heavy chain 11; plus strand). Cytogenetic location: 7p15.3.
Variant type: Deletion.
Coding change: c.13163-27_13163-11del on transcript NM_001277115.2 (MANE Select); 27 bases into the intron before coding-DNA position 13163 through 11 bases into the intron before coding-DNA position 13163, 17 bases deleted (TATTCAATTTTTGTTAT).
Molecular consequence: intron variant.
Genome position (GRCh38, 1-based): chr7:21,899,953-21,899,969, TATTCAATTTTTGTTAT deleted. VCF-style (leftmost placement, unchanged base first): chr7-21899952-CTATTCAATTTTTGTTAT-C. GRCh37 (hg19) VCF-style: chr7-21939570-CTATTCAATTTTTGTTAT-C.
Identifiers: ClinVar variation 3703997 (VCV003703997.2).

ClinVar aggregate classification (germline): Uncertain significance (1 of 4 stars; one submission).

Conditions:
Primary ciliary dyskinesia. Also called: Ciliary dyskinesia. Identifiers: Orphanet 244, MedGen C0008780, MONDO:0016575, HP:0012265.

Submission:

Labcorp Genetics (formerly Invitae), Labcorp
Classification: Uncertain significance for Primary ciliary dyskinesia. Last evaluated: 2025-01-23. Review status: criteria provided, single submitter. Criteria: Invitae Variant Classification Sherloc (09022015). Collection method: clinical testing. Allele origin: germline.
Comment: This sequence change falls in intron 80 of the DNAH11 gene. It does not directly change the encoded amino acid sequence of the DNAH11 protein. This variant is not present in population databases (gnomAD no frequency). This variant has not been reported in the literature in individuals affected with DNAH11-related conditions. Experimental studies and prediction algorithms are not available or were not evaluated, and the effect of this variant on mRNA splicing is currently unknown. In summary, the available evidence is currently insufficient to determine the role of this variant in disease. Therefore, it has been classified as a Variant of Uncertain Significance.